The following is an entry in ClinVar:

NM_023077.3(COA7):c.91G>A (p.Glu31Lys)

Gene: COA7 (cytochrome c oxidase assembly factor 7; minus strand). Cytogenetic location: 1p32.3.
Variant type: single nucleotide variant.
Coding change: c.91G>A on transcript NM_023077.3 (MANE Select); coding-DNA position 91, G replaced by A.
Protein change: p.Glu31Lys; replaces glutamic acid 31 with lysine.
Molecular consequence: missense variant.
Genome position (GRCh38, 1-based): chr1:52,698,236, C>T on the plus strand (G>A on the coding strand, the complement: COA7 is on the minus strand). VCF-style: chr1-52698236-C-T. GRCh37 (hg19) VCF-style: chr1-53163908-C-T.
Other names: c.91G>A (NM_023077.2); short protein forms E31K.
Identifiers: ClinVar variation 2076925 (VCV002076925.5), dbSNP rs773566621, ClinGen allele CA855773.

ClinVar aggregate classification (germline): Uncertain significance. Review status: criteria provided, multiple submitters, no conflicts (2 of 4 stars). 2 submissions from 2 submitters: Uncertain significance (2). Last evaluated 2025-06-06.

Conditions:
Inborn genetic diseases. Identifiers: MedGen C0950123, MeSH D030342.

Allele frequency attached by ClinVar (database versions not stated): TOPMed 0.00003; gnomAD 0.00003.

Submissions (2):

Ambry Genetics
Classification: Uncertain significance for Inborn genetic diseases. Last evaluated: 2025-06-06. Review status: criteria provided, single submitter. Criteria: Ambry Variant Classification Scheme 2023. Collection method: clinical testing. Allele origin: germline.

Labcorp Genetics (formerly Invitae), Labcorp
Classification: Uncertain significance. Last evaluated: 2022-07-14. Review status: criteria provided, single submitter. Criteria: Invitae Variant Classification Sherloc (09022015). Collection method: clinical testing. Allele origin: germline.
Comment: In summary, the available evidence is currently insufficient to determine the role of this variant in disease. Therefore, it has been classified as a Variant of Uncertain Significance. Algorithms developed to predict the effect of missense changes on protein structure and function (SIFT, PolyPhen-2, Align-GVGD) all suggest that this variant is likely to be disruptive. This variant has not been reported in the literature in individuals affected with COA7-related conditions. This variant is present in population databases (rs773566621, gnomAD 0.02%). This sequence change replaces glutamic acid, which is acidic and polar, with lysine, which is basic and polar, at codon 31 of the COA7 protein (p.Glu31Lys).